The following is an entry in ClinVar:

ClinVar aggregate classification (germline): Uncertain significance. Review status: criteria provided, multiple submitters, no conflicts (2 of 4 stars). 2 submissions from 2 submitters: Uncertain significance (2). Last evaluated 2025-01-30.

Conditions:
Inborn genetic diseases. Identifiers: MedGen C0950123, MeSH D030342.
Combined oxidative phosphorylation defect type 14. Also called: Combined oxidative phosphorylation deficiency 14. Identifiers: Orphanet 319519, MedGen C4755312, MONDO:0013986, OMIM 614946.

Allele frequency attached by ClinVar (database versions not stated): gnomAD exomes below 0.00001; gnomAD 0.00001; TOPMed 0.00002.
gnomAD v4.1: 2 of 1,614,082 alleles (0.00012%); highest among the groups gnomAD compares: Non-Finnish European, 0.00017%; no homozygotes.

Submissions (2):

Ambry Genetics
Classification: Uncertain significance for Inborn genetic diseases. Last evaluated: 2025-01-30. Review status: criteria provided, single submitter. Criteria: Ambry Variant Classification Scheme 2023. Collection method: clinical testing. Allele origin: germline.

Labcorp Genetics (formerly Invitae), Labcorp
Classification: Uncertain significance for Combined oxidative phosphorylation defect type 14. Last evaluated: 2022-06-23. Review status: criteria provided, single submitter. Criteria: Invitae Variant Classification Sherloc (09022015). Collection method: clinical testing. Allele origin: germline.
Comment: This sequence change replaces lysine, which is basic and polar, with arginine, which is basic and polar, at codon 69 of the FARS2 protein (p.Lys69Arg). This variant is present in population databases (no rsID available, gnomAD 0.0009%). This variant has not been reported in the literature in individuals affected with FARS2-related conditions. Advanced modeling of protein sequence and biophysical properties (such as structural, functional, and spatial information, amino acid conservation, physicochemical variation, residue mobility, and thermodynamic stability) performed at Invitae indicates that this missense variant is not expected to disrupt FARS2 protein function. In summary, the available evidence is currently insufficient to determine the role of this variant in disease. Therefore, it has been classified as a Variant of Uncertain Significance.

NM_006567.5(FARS2):c.206A>G (p.Lys69Arg)

Genes: FARS2 (phenylalanyl-tRNA synthetase 2, mitochondrial; plus strand), LOC126859565 (CDK7 strongly-dependent group 2 enhancer GRCh37_chr6:5368745-5369944; plus strand). Cytogenetic location: 6p25.1.
Variant type: single nucleotide variant.
Coding change: c.206A>G on transcript NM_006567.5 (MANE Select); coding-DNA position 206, A replaced by G.
Protein change: p.Lys69Arg; replaces lysine 69 with arginine.
Molecular consequence: missense variant. On other transcripts: intron variant (2).
Genome position (GRCh38, 1-based): chr6:5,368,776, A>G. VCF-style: chr6-5368776-A-G. GRCh37 (hg19) VCF-style: chr6-5369009-A-G.
Other names: c.206A>G, p.Lys69Arg (NM_001318872.2, NM_001374875.1, NM_001374876.1 and 5 more transcripts); c.-340-27857A>G (NM_001375260.1); c.-84-35766A>G (NM_001375259.1); c.206A>G (NM_006567.3); short protein forms K69R.
Identifiers: ClinVar variation 1939622 (VCV001939622.3), dbSNP rs1238818327, ClinGen allele CA362734779.